The following is an entry in ClinVar:

NM_007294.4(BRCA1):c.1049G>A (p.Arg350Lys)

Gene: BRCA1 (BRCA1 DNA repair associated; minus strand). Cytogenetic location: 17q21.31.
Variant type: single nucleotide variant.
Coding change: c.1049G>A on transcript NM_007294.4 (MANE Select); coding-DNA position 1049, G replaced by A.
Protein change: p.Arg350Lys; replaces arginine 350 with lysine.
Molecular consequence: missense variant. On other transcripts: intron variant (137).
Genome position (GRCh38, 1-based): chr17:43,094,482, C>T on the plus strand (G>A on the coding strand, the complement: BRCA1 is on the minus strand). VCF-style: chr17-43094482-C-T. GRCh37 (hg19) VCF-style: chr17-41246499-C-T.
Other names: c.574+262G>A (NM_001408490.1, NM_001408493.1, NM_001408491.1); c.785G>A, p.Arg262Lys (NM_001407921.1, NM_001407922.1, NM_001407923.1 and 9 more transcripts); c.454+262G>A (NM_001408502.1); c.577+262G>A (NM_001408489.1, NM_001408479.1, NM_001408492.1 and 9 more transcripts); c.661+262G>A (NM_001408432.1, NM_001408445.1, NM_001408448.1 and 6 more transcripts); c.667+1364G>A (NM_001408424.1, NM_001408431.1, NM_001408421.1); c.784+262G>A (NM_001408407.1, NM_001408402.1, NM_001407991.1 and 13 more transcripts); c.643+262G>A (NM_001408468.1, NM_001408465.1, NM_001408463.1 and 3 more transcripts); and 40 more; short protein forms R303K, R350K, R223K, R280K, R302K, R347K, R349K, R54K.
Identifiers: ClinVar variation 921476 (VCV000921476.20), dbSNP rs2054001685, ClinGen allele CA10599965.

ClinVar aggregate classification (germline): Conflicting classifications of pathogenicity. Review status: criteria provided, conflicting classifications (1 of 4 stars). 5 submissions from 5 submitters: Uncertain significance (4); Likely benign (1). Last evaluated 2025-05-13.

Conditions:
Hereditary breast ovarian cancer syndrome. Also called: BRCA1- and BRCA2-Associated Hereditary Breast and Ovarian Cancer; Hereditary breast and ovarian cancer syndrome; Hereditary breast and ovarian cancer; Hereditary breast and ovarian cancer syndrome (HBOC); Breast and ovarian cancer; Hereditary breast and/or ovarian cancer syndrome. Identifiers: Orphanet 145, MedGen C0677776, MeSH D061325, MONDO:0003582. Disease mechanism: loss of function.
Hereditary cancer-predisposing syndrome. Also called: Neoplastic Syndromes, Hereditary; Tumor predisposition; Hereditary Cancer Syndrome; Hereditary neoplastic syndrome. Identifiers: Orphanet 140162, MedGen C0027672, MeSH D009386, MONDO:0015356.

Allele frequency attached by ClinVar (database versions not stated): gnomAD exomes below 0.00001.
gnomAD v4.1: 2 of 1,614,020 alleles (0.00012%); highest among the groups gnomAD compares: Non-Finnish European, 0.00017%; no homozygotes.

Submissions (5):

Labcorp Genetics (formerly Invitae), Labcorp
Classification: Uncertain significance for Hereditary breast ovarian cancer syndrome. Last evaluated: 2025-05-13. Review status: criteria provided, single submitter. Criteria: Invitae Variant Classification Sherloc (09022015). Collection method: clinical testing. Allele origin: germline.
Comment: This sequence change replaces arginine, which is basic and polar, with lysine, which is basic and polar, at codon 350 of the BRCA1 protein (p.Arg350Lys). This variant is not present in population databases (gnomAD no frequency). This variant has not been reported in the literature in individuals affected with BRCA1-related conditions. ClinVar contains an entry for this variant (Variation ID: 921476). Invitae Evidence Modeling of protein sequence and biophysical properties (such as structural, functional, and spatial information, amino acid conservation, physicochemical variation, residue mobility, and thermodynamic stability) indicates that this missense variant is not expected to disrupt BRCA1 protein function with a negative predictive value of 95%. In summary, the available evidence is currently insufficient to determine the role of this variant in disease. Therefore, it has been classified as a Variant of Uncertain Significance.

GeneDx
Classification: Uncertain significance. Last evaluated: 2025-02-26. Review status: criteria provided, single submitter. Criteria: GeneDx Variant Classification Process June 2021. Collection method: clinical testing. Allele origin: germline. Affected: yes.
Comment: Not observed at significant frequency in large population cohorts (gnomAD); In silico analysis indicates that this missense variant does not alter protein structure/function; Has not been previously published as pathogenic or benign to our knowledge; Also known as 1168G>A

Ambry Genetics
Classification: Uncertain significance for Hereditary cancer-predisposing syndrome. Last evaluated: 2024-11-14. Review status: criteria provided, single submitter. Criteria: Ambry Variant Classification Scheme 2023. Collection method: clinical testing. Allele origin: germline.
Comment: The p.R350K variant (also known as c.1049G>A), located in coding exon 9 of the BRCA1 gene, results from a G to A substitution at nucleotide position 1049. The arginine at codon 350 is replaced by lysine, an amino acid with highly similar properties. This amino acid position is well conserved in available vertebrate species. In addition, the in silico prediction for this alteration is inconclusive. Since supporting evidence is limited at this time, the clinical significance of this alteration remains unclear.

University of Washington Department of Laboratory Medicine, University of Washington
Classification: Likely benign for Hereditary cancer-predisposing syndrome. Last evaluated: 2023-03-23. Review status: criteria provided, single submitter. Criteria: Dines et al. (Genet Med. 2020). Collection method: curation. Allele origin: germline.
Comment: Missense variant in a coldspot region where missense variants are very unlikely to be pathogenic (PMID:31911673).

BRCA1 coldspot (exon 11 using historical exon numbering). Reclassification based on statistical prior probability

Color Diagnostics, LLC DBA Color Health
Classification: Uncertain significance for Hereditary cancer-predisposing syndrome. Last evaluated: 2019-02-21. Review status: criteria provided, single submitter. Criteria: ACMG Guidelines, 2015. Collection method: clinical testing. Allele origin: germline.